The following is an entry in ClinVar:

NM_001005273.3(CHD3):c.995A>G (p.His332Arg)

Genes: CHD3 (chromodomain helicase DNA binding protein 3; plus strand), LOC126862484 (CDK7 strongly-dependent group 2 enhancer GRCh37_chr17:7797066-7798265; plus strand). Cytogenetic location: 17p13.1.
Variant type: single nucleotide variant.
Coding change: c.995A>G on transcript NM_001005273.3 (MANE Select); coding-DNA position 995, A replaced by G.
Protein change: p.His332Arg; replaces histidine 332 with arginine.
Molecular consequence: missense variant.
Genome position (GRCh38, 1-based): chr17:7,894,185, A>G. VCF-style: chr17-7894185-A-G. GRCh37 (hg19) VCF-style: chr17-7797503-A-G.
Other names: c.1172A>G, p.His391Arg (NM_001005271.3); c.995A>G, p.His332Arg (NM_005852.4); short protein forms H332R, H391R.
Identifiers: ClinVar variation 3364881 (VCV003364881.1).

ClinVar aggregate classification (germline): Uncertain significance (1 of 4 stars; one submission).

Submission:

GeneDx
Classification: Uncertain significance. Last evaluated: 2023-11-22. Review status: criteria provided, single submitter. Criteria: GeneDx Variant Classification Process June 2021. Collection method: clinical testing. Allele origin: germline. Affected: yes.
Comment: Not observed at significant frequency in large population cohorts (gnomAD); In silico analysis supports that this missense variant has a deleterious effect on protein structure/function; Has not been previously published as pathogenic or benign to our knowledge